The following is an entry in ClinVar:

ClinVar aggregate classification (germline): Uncertain significance (1 of 4 stars; one submission).

Conditions:
Joubert syndrome 18 (JBTS18). Identifiers: Orphanet 2754, MedGen C3553758, MONDO:0013896, OMIM 614815.
Orofacial-digital syndrome IV (OFD4). Also called: BARAITSER-BURN SYNDROME; OFD SYNDROME WITH TIBIAL DEFECTS; OFD SYNDROME, BARAITSER-BURN TYPE; OFDS IV; ORAL-FACIAL-DIGITAL SYNDROME, TYPE IV; Orofaciodigital syndrome IV. Identifiers: Orphanet 2753, MedGen C0406727, MONDO:0009794, OMIM 258860.

gnomAD v4.1: 3 of 1,613,982 alleles (0.00019%); highest among the groups gnomAD compares: Admixed American, 0.005%; no homozygotes.

Submission:

Labcorp Genetics (formerly Invitae), Labcorp
Classification: Uncertain significance for Joubert syndrome 18; Orofacial-digital syndrome IV. Last evaluated: 2022-09-27. Review status: criteria provided, single submitter. Criteria: Invitae Variant Classification Sherloc (09022015). Collection method: clinical testing. Allele origin: germline.
Comment: This sequence change falls in intron 7 of the TCTN3 gene. It does not directly change the encoded amino acid sequence of the TCTN3 protein. It affects a nucleotide within the consensus splice site. This variant is present in population databases (no rsID available, gnomAD 0.003%). This variant has not been reported in the literature in individuals affected with TCTN3-related conditions. Variants that disrupt the consensus splice site are a relatively common cause of aberrant splicing (PMID: 17576681, 9536098). Algorithms developed to predict the effect of sequence changes on RNA splicing suggest that this variant may disrupt the consensus splice site. In summary, the available evidence is currently insufficient to determine the role of this variant in disease. Therefore, it has been classified as a Variant of Uncertain Significance.

Literature cited by the submitters: PubMed 17576681; PubMed 9536098.

NM_015631.6(TCTN3):c.888+3A>T

Gene: TCTN3 (tectonic family member 3; minus strand). Cytogenetic location: 10q24.1.
Variant type: single nucleotide variant.
Coding change: c.888+3A>T on transcript NM_015631.6 (MANE Select); 3 bases into the intron after coding-DNA position 888, A replaced by T.
Molecular consequence: intron variant.
Genome position (GRCh38, 1-based): chr10:95,686,492, T>A on the plus strand (A>T on the coding strand, the complement: TCTN3 is on the minus strand). VCF-style: chr10-95686492-T-A. GRCh37 (hg19) VCF-style: chr10-97446249-T-A.
Other names: c.651+3A>T (NM_001143973.2).
Identifiers: ClinVar variation 2143346 (VCV002143346.4), dbSNP rs749620204, ClinGen allele CA595349962.